The following is an entry in ClinVar:

ClinVar aggregate classification (germline): Uncertain significance (1 of 4 stars; one submission).

Conditions:
Hereditary cancer-predisposing syndrome. Also called: Neoplastic Syndromes, Hereditary; Tumor predisposition; Hereditary neoplastic syndrome; Hereditary Cancer Syndrome. Identifiers: Orphanet 140162, MedGen C0027672, MeSH D009386, MONDO:0015356.

Allele frequency attached by ClinVar (database versions not stated): gnomAD exomes below 0.00001.
gnomAD v4.1: 1 of 1,613,082 alleles (0.000062%); highest among the groups gnomAD compares: Non-Finnish European, 0.000085%; no homozygotes.

Submission:

Ambry Genetics
Classification: Uncertain significance for Hereditary cancer-predisposing syndrome. Last evaluated: 2023-11-18. Review status: criteria provided, single submitter. Criteria: Ambry Variant Classification Scheme 2023. Collection method: clinical testing. Allele origin: germline.
Comment: The p.Q2191E variant (also known as c.6571C>G), located in coding exon 47 of the POLE gene, results from a C to G substitution at nucleotide position 6571. The glutamine at codon 2191 is replaced by glutamic acid, an amino acid with highly similar properties. This amino acid position is conserved. In addition, this alteration is predicted to be tolerated by in silico analysis. Since supporting evidence is limited at this time, the clinical significance of this alteration remains unclear.

NM_006231.4(POLE):c.6571C>G (p.Gln2191Glu)

Gene: POLE (DNA polymerase epsilon, catalytic subunit; minus strand). Cytogenetic location: 12q24.33.
Variant type: single nucleotide variant.
Coding change: c.6571C>G on transcript NM_006231.4 (MANE Select); coding-DNA position 6571, C replaced by G.
Protein change: p.Gln2191Glu; replaces glutamine 2191 with glutamic acid.
Molecular consequence: missense variant.
Genome position (GRCh38, 1-based): chr12:132,625,731, G>C on the plus strand (C>G on the coding strand, the complement: POLE is on the minus strand). VCF-style: chr12-132625731-G-C. GRCh37 (hg19) VCF-style: chr12-133202317-G-C.
Other names: short protein forms Q2191E.
Identifiers: ClinVar variation 3225502 (VCV003225502.1), dbSNP rs2041825246, ClinGen allele CA387366781.